The following is an entry in ClinVar:

NM_004431.5(EPHA2):c.944G>A (p.Arg315Gln)

Gene: EPHA2 (EPH receptor A2; minus strand). Cytogenetic location: 1p36.13.
Variant type: single nucleotide variant.
Coding change: c.944G>A on transcript NM_004431.5 (MANE Select); coding-DNA position 944, G replaced by A.
Protein change: p.Arg315Gln; replaces arginine 315 with glutamine.
Molecular consequence: missense variant.
Genome position (GRCh38, 1-based): chr1:16,138,310, C>T on the plus strand (G>A on the coding strand, the complement: EPHA2 is on the minus strand). VCF-style: chr1-16138310-C-T. GRCh37 (hg19) VCF-style: chr1-16464805-C-T.
Other names: c.782G>A, p.Arg261Gln (NM_001329090.2); c.944G>A (NM_004431.4); short protein forms R315Q, R261Q.
Identifiers: ClinVar variation 293439 (VCV000293439.46), dbSNP rs139176878, ClinGen allele CA625374.

ClinVar aggregate classification (germline): Benign/Likely benign. Review status: criteria provided, multiple submitters, no conflicts (2 of 4 stars). 7 submissions from 7 submitters: Benign (1); Likely benign (6). Last evaluated 2026-04-07.

Conditions:
EPHA2-related disorder. Also called: EPHA2-related condition.
Cataract 6 multiple types. Also called: CATARACT 6, POSTERIOR POLAR; CATARACT 6, CONGENITAL TOTAL; CATARACT, AGE-RELATED CORTICAL, 2. Identifiers: Orphanet 91492, MedGen C1861825, MONDO:0007288, OMIM 116600.

Allele frequency attached by ClinVar (database versions not stated): 1000 Genomes Project 0.00020; 1000 Genomes Project 30x 0.00031; gnomAD exomes 0.00139; gnomAD 0.00143 and 0.00147; TOPMed 0.00150; ExAC 0.00158; ESP Exome Variant Server 0.00169.
gnomAD v4.1: 3,486 of 1,613,516 alleles (0.22%); highest among the groups gnomAD compares: Non-Finnish European, 0.28%; 10 homozygotes.

Submissions (7):

PreventionGenetics, part of Exact Sciences
Classification: Likely benign for EPHA2-related condition. Last evaluated: 2026-04-07. Review status: criteria provided, single submitter. Criteria: ACMG Guidelines, 2015. Collection method: clinical testing. Allele origin: germline.
Comment: This variant is classified as likely benign based on ACMG/AMP sequence variant interpretation guidelines (Richards et al. 2015 PMID: 25741868, with internal and published modifications).

CeGaT Center for Human Genetics Tuebingen
Classification: Benign. Last evaluated: 2026-03-01. Review status: criteria provided, single submitter. Criteria: CeGaT Center For Human Genetics Tuebingen Variant Classification Criteria Version 2. Collection method: clinical testing. Allele origin: germline. Affected: yes. Observed: 2 variant alleles.
Comment: EPHA2: BS1, BS2

Labcorp Genetics (formerly Invitae), Labcorp
Classification: Likely benign for Cataract 6 multiple types. Last evaluated: 2025-11-11. Review status: criteria provided, single submitter. Criteria: Invitae Variant Classification Sherloc (09022015). Collection method: clinical testing. Allele origin: germline.

Blueprint Genetics
Classification: Likely benign. Last evaluated: 2024-10-29. Review status: criteria provided, single submitter. Criteria: ACMG Guidelines, 2015. Collection method: clinical testing. Allele origin: germline.

Fulgent Genetics
Classification: Likely benign for Cataract 6 multiple types. Last evaluated: 2022-03-07. Review status: criteria provided, single submitter. Criteria: ACMG Guidelines, 2015. Collection method: clinical testing. Allele origin: unknown.

Illumina Laboratory Services, Illumina
Classification: Likely benign for Cataract 6 multiple types. Last evaluated: 2017-04-27. Review status: criteria provided, single submitter. Criteria: ICSL Variant Classification Criteria 13 December 2019. Collection method: clinical testing. Allele origin: germline.
Comment: This variant was observed as part of a predisposition screen in an ostensibly healthy population. A literature search was performed for the gene, cDNA change, and amino acid change (where applicable). No publications were found based on this search. Allele frequency data from public databases allowed determination this variant is unlikely to cause disease. Therefore, this variant is classified as likely benign.

Breakthrough Genomics
Classification: Likely benign. Review status: criteria provided, single submitter. Criteria: ACMG Guidelines, 2015. Collection method: not provided. Allele origin: germline. Inheritance: Autosomal dominant inheritance. Affected: yes.